The following is an entry in ClinVar:

ClinVar aggregate classification (germline): Uncertain significance (1 of 4 stars; one submission).

Conditions:
PRX-related disorder. Also called: PRX-related condition; PRX-Related Disorders.

gnomAD v4.1: 1 of 1,614,074 alleles (0.000062%); highest among the groups gnomAD compares: Non-Finnish European, 0.000085%; no homozygotes.

Submission:

PreventionGenetics, part of Exact Sciences
Classification: Uncertain significance for PRX-related condition. Last evaluated: 2026-05-03. Review status: criteria provided, single submitter. Criteria: ACMG Guidelines, 2015. Collection method: clinical testing. Allele origin: germline.
Comment: The PRX c.233A>T variant is predicted to result in the amino acid substitution p.Glu78Val. To our knowledge, this variant has not been reported in the literature or in a large population database (gnomAD), indicating this variant is rare. At this time, the clinical significance of this variant is uncertain due to the absence of conclusive functional and genetic evidence.

NM_181882.3(PRX):c.233A>T (p.Glu78Val)

Gene: PRX (periaxin; minus strand). Cytogenetic location: 19q13.2.
Variant type: single nucleotide variant.
Coding change: c.233A>T on transcript NM_181882.3 (MANE Select); coding-DNA position 233, A replaced by T.
Protein change: p.Glu78Val; replaces glutamic acid 78 with valine.
Molecular consequence: missense variant.
Genome position (GRCh38, 1-based): chr19:40,398,768, T>A on the plus strand (A>T on the coding strand, the complement: PRX is on the minus strand). VCF-style: chr19-40398768-T-A. GRCh37 (hg19) VCF-style: chr19-40904675-T-A.
Other names: c.518A>T, p.Glu173Val (NM_001411127.1); c.233A>T, p.Glu78Val (NM_020956.2); short protein forms E173V, E78V.
Identifiers: ClinVar variation 4990982 (VCV004990982.1).
Genomic context (GRCh38, chr19:40,398,768, plus strand): 5'-CGCTTCAGGCAGAAGGAGACTTTGTAAGGCTCGGCGCATTGCAGCAGGCGTAGTGCGTCC[T>A]CGTACTTGAAGTTCTCGAAGAACACTCGGGCACTCAGCAGCTGGTCCCCTGCGGGCGAGG-3'
Protein context (NP_870998.2, residues 68-88): ARVFFENFKY[Glu78Val]DALRLLQCAE